The following is an entry in ClinVar:

NM_005739.4(RASGRP1):c.212A>G (p.Gln71Arg)

Gene: RASGRP1 (RAS guanyl releasing protein 1; minus strand). Cytogenetic location: 15q14.
Variant type: single nucleotide variant.
Coding change: c.212A>G on transcript NM_005739.4 (MANE Select); coding-DNA position 212, A replaced by G.
Protein change: p.Gln71Arg; replaces glutamine 71 with arginine.
Molecular consequence: missense variant.
Genome position (GRCh38, 1-based): chr15:38,559,829, T>C on the plus strand (A>G on the coding strand, the complement: RASGRP1 is on the minus strand). VCF-style: chr15-38559829-T-C. GRCh37 (hg19) VCF-style: chr15-38852030-T-C.
Other names: c.212A>G, p.Gln71Arg (NM_001128602.2, NM_001306086.2); c.212A>G (NM_005739.3); short protein forms Q71R.
Identifiers: ClinVar variation 1513142 (VCV001513142.5), dbSNP rs2141199930, ClinGen allele CA391662718.

ClinVar aggregate classification (germline): Uncertain significance. Review status: criteria provided, multiple submitters, no conflicts (2 of 4 stars). 2 submissions from 2 submitters: Uncertain significance (2). Last evaluated 2025-06-17.

gnomAD v4.1: 1 of 1,613,512 alleles (0.000062%); no homozygotes.

Submissions (2):

Ambry Genetics
Classification: Uncertain significance. Last evaluated: 2025-06-17. Review status: criteria provided, single submitter. Criteria: Ambry Variant Classification Scheme 2023. Collection method: clinical testing. Allele origin: germline.

Labcorp Genetics (formerly Invitae), Labcorp
Classification: Uncertain significance. Last evaluated: 2022-11-22. Review status: criteria provided, single submitter. Criteria: Invitae Variant Classification Sherloc (09022015). Collection method: clinical testing. Allele origin: germline.
Comment: This sequence change replaces glutamine, which is neutral and polar, with arginine, which is basic and polar, at codon 71 of the RASGRP1 protein (p.Gln71Arg). In summary, the available evidence is currently insufficient to determine the role of this variant in disease. Therefore, it has been classified as a Variant of Uncertain Significance. Advanced modeling of protein sequence and biophysical properties (such as structural, functional, and spatial information, amino acid conservation, physicochemical variation, residue mobility, and thermodynamic stability) performed at Invitae indicates that this missense variant is not expected to disrupt RASGRP1 protein function. ClinVar contains an entry for this variant (Variation ID: 1513142). This variant has not been reported in the literature in individuals affected with RASGRP1-related conditions. This variant is not present in population databases (gnomAD no frequency).